The following is an entry in ClinVar:

ClinVar aggregate classification (germline): Uncertain significance (1 of 4 stars; one submission).

gnomAD v4.1: 2 of 1,603,138 alleles (0.00012%); highest among the groups gnomAD compares: Non-Finnish European, 0.00017%; no homozygotes.

Submission:

GeneDx
Classification: Uncertain significance. Last evaluated: 2024-08-16. Review status: criteria provided, single submitter. Criteria: GeneDx Variant Classification Process June 2021. Collection method: clinical testing. Allele origin: germline. Affected: yes.
Comment: Not observed at significant frequency in large population cohorts (gnomAD); In silico analysis indicates that this missense variant does not alter protein structure/function; Has not been previously published as pathogenic or benign to our knowledge

NM_014712.3(SETD1A):c.3455C>T (p.Ser1152Phe)

Gene: SETD1A (SET domain containing 1A, histone lysine methyltransferase; plus strand). Cytogenetic location: 16p11.2.
Variant type: single nucleotide variant.
Coding change: c.3455C>T on transcript NM_014712.3 (MANE Select); coding-DNA position 3455, C replaced by T.
Protein change: p.Ser1152Phe; replaces serine 1152 with phenylalanine.
Molecular consequence: missense variant.
Genome position (GRCh38, 1-based): chr16:30,979,241, C>T. VCF-style: chr16-30979241-C-T. GRCh37 (hg19) VCF-style: chr16-30990562-C-T.
Other names: short protein forms S1152F.
Identifiers: ClinVar variation 3731245 (VCV003731245.1).
Genomic context (GRCh38, chr16:30,979,241, plus strand): 5'-GTCCCCCAGAACCACCTGCTGGGCCCCCGGCCCCTGCCCCACGCCCCGATGAGCGTCCCT[C>T]TTCTCCCATCCCCCTCCTGCCCCCACCCAAGAAACGCCGGAAAACTGTCTCCTTCTCTGC-3'
Protein context (NP_055527.1, residues 1142-1162): APAPRPDERP[Ser1152Phe]SPIPLLPPPK